The following is an entry in ClinVar:

NM_002471.4(MYH6):c.3979-9_3979-8del

Gene: MYH6 (myosin heavy chain 6; minus strand). Cytogenetic location: 14q11.2.
Variant type: Deletion.
Coding change: c.3979-9_3979-8del on transcript NM_002471.4 (MANE Select); 9 bases into the intron before coding-DNA position 3979 through 8 bases into the intron before coding-DNA position 3979, 2 bases deleted (CC; older notation c.3979-9_3979-8delCC).
Molecular consequence: intron variant.
Genome position (GRCh38, 1-based): chr14:23,389,063-23,389,064, GG deleted on the plus strand (CC on the coding strand, the reverse complement: MYH6 is on the minus strand); deleting any 2 consecutive bases within chr14:23,389,063-23,389,072 gives the same sequence; the c. name uses the placement nearest the transcript's 3' end. VCF-style (leftmost placement, unchanged base first): chr14-23389062-AGG-A. GRCh37 (hg19) VCF-style: chr14-23858271-AGG-A.
Other names: c.3979-9_3979-8delCC (NM_002471.3).
Identifiers: ClinVar variation 220788 (VCV000220788.21), dbSNP rs193922652, ClinGen allele CA348330.

ClinVar aggregate classification (germline): Benign/Likely benign. Review status: criteria provided, multiple submitters, no conflicts (2 of 4 stars). 8 submissions from 8 submitters: Benign (4); Likely benign (1). 3 of the submissions do not count toward it. Last evaluated 2026-02-04.

Conditions:
Cardiomyopathy (CMYO). Also called: Cardiomyopathies. Identifiers: Orphanet 167848, MedGen C0878544, MONDO:0004994, HP:0001638. Inheritance: Various modes of inheritance.
Hypertrophic cardiomyopathy 14. Identifiers: MedGen C2750467, MONDO:0013197, OMIM 613251.

Submissions (8):

Labcorp Genetics (formerly Invitae), Labcorp
Classification: Benign for Hypertrophic cardiomyopathy 14. Last evaluated: 2026-02-04. Review status: criteria provided, single submitter. Criteria: Invitae Variant Classification Sherloc (09022015). Collection method: clinical testing. Allele origin: germline.

Blueprint Genetics
Classification: Likely benign. Last evaluated: 2024-11-27. Review status: criteria provided, single submitter. Criteria: ACMG Guidelines, 2015. Collection method: clinical testing. Allele origin: germline.

Women's Health and Genetics/Laboratory Corporation of America, LabCorp
Classification: Benign. Last evaluated: 2019-08-16. Review status: criteria provided, single submitter. Criteria: LabCorp Variant Classification Summary - May 2015. Collection method: clinical testing. Allele origin: germline.

CHEO Genetics Diagnostic Laboratory, Children's Hospital of Eastern Ontario
Classification: Benign for Cardiomyopathy. Last evaluated: 2018-03-08. Review status: criteria provided, single submitter. Criteria: ACMG Guidelines, 2015. Collection method: clinical testing. Allele origin: germline.

GeneDx
Classification: Benign. Last evaluated: 2017-11-07. Review status: criteria provided, single submitter. Criteria: GeneDx Variant Classification (06012015). Collection method: clinical testing. Allele origin: germline. Affected: yes.
Comment: This variant is considered likely benign or benign based on one or more of the following criteria: it is a conservative change, it occurs at a poorly conserved position in the protein, it is predicted to be benign by multiple in silico algorithms, and/or has population frequency not consistent with disease.

Clinical Genetics DNA and cytogenetics Diagnostics Lab, Erasmus MC, Erasmus Medical Center
Classification: Benign. Review status: no assertion criteria provided. Collection method: clinical testing. Allele origin: germline. Affected: yes. Study: VKGL Data-share Consensus. Not counted in ClinVar's aggregate classification.

Diagnostic Laboratory, Department of Genetics, University Medical Center Groningen
Classification: Benign. Review status: no assertion criteria provided. Collection method: clinical testing. Allele origin: germline. Affected: yes. Study: VKGL Data-share Consensus. Not counted in ClinVar's aggregate classification.

Joint Genome Diagnostic Labs from Nijmegen and Maastricht, Radboudumc and MUMC+
Classification: Benign. Review status: no assertion criteria provided. Collection method: clinical testing. Allele origin: germline. Affected: yes. Study: VKGL Data-share Consensus. Not counted in ClinVar's aggregate classification.